The following is an entry in ClinVar:

NM_015721.3(GEMIN4):c.1227C>T (p.Ala409=)

Gene: GEMIN4 (gem nuclear organelle associated protein 4; minus strand). Cytogenetic location: 17p13.3.
Variant type: single nucleotide variant.
Coding change: c.1227C>T on transcript NM_015721.3 (MANE Select); coding-DNA position 1227, C replaced by T.
Protein change: p.Ala409=; no amino-acid change (alanine 409 retained).
Molecular consequence: synonymous variant.
Genome position (GRCh38, 1-based): chr17:746,816, G>A on the plus strand (C>T on the coding strand, the complement: GEMIN4 is on the minus strand). VCF-style: chr17-746816-G-A. GRCh37 (hg19) VCF-style: chr17-650056-G-A.
Identifiers: ClinVar variation 3048162 (VCV003048162.3), dbSNP rs200228227, ClinGen allele CA8262687.
Genomic context (GRCh38, chr17:746,816, plus strand): 5'-CTTCTCAGAGGCAAAAATGTAGCACACTTCCATATGGCGGTCCATCTTCTGCTGGATGAC[G>A]GCCATGGCAATGGAAGCTGTGATATCCTCCAAGGCCCTGTTCTTCAGCACCGTGCTCGTT-3'
Protein context (NP_056536.2, residues 399-419): LEDITASIAM[Ala409=]VIQQKMDRHM

ClinVar aggregate classification (germline): Likely benign. Review status: criteria provided, single submitter (1 of 4 stars). 2 submissions from 2 submitters: Likely benign (1). 1 of the submissions does not count toward it. Last evaluated 2024-06-10.

Conditions:
GEMIN4-related disorder. Also called: GEMIN4-related condition.

Allele frequency attached by ClinVar (database versions not stated): gnomAD 0.00015; 1000 Genomes Project 30x 0.00016; gnomAD exomes 0.00019; 1000 Genomes Project 0.00020; TOPMed 0.00025; ExAC 0.00047.
gnomAD v4.1: 297 of 1,613,762 alleles (0.018%); highest among the groups gnomAD compares: East Asian, 0.29%; 1 homozygote.

Submissions (2):

Blueprint Genetics
Classification: Likely benign. Last evaluated: 2024-06-10. Review status: criteria provided, single submitter. Criteria: ACMG Guidelines, 2015. Collection method: clinical testing. Allele origin: germline.

PreventionGenetics, part of Exact Sciences
Classification: Likely benign for GEMIN4-related condition. Last evaluated: 2019-11-18. Review status: no assertion criteria provided. Collection method: clinical testing. Allele origin: germline. Not counted in ClinVar's aggregate classification.
Comment: This variant is classified as likely benign based on ACMG/AMP sequence variant interpretation guidelines (Richards et al. 2015 PMID: 25741868, with internal and published modifications).